The following is an entry in ClinVar:

NM_007294.4(BRCA1):c.1749A>G (p.Lys583=)

Gene: BRCA1 (BRCA1 DNA repair associated; minus strand). Cytogenetic location: 17q21.31.
Variant type: single nucleotide variant.
Coding change: c.1749A>G on transcript NM_007294.4 (MANE Select); coding-DNA position 1749, A replaced by G.
Protein change: p.Lys583=; no amino-acid change (lysine 583 retained).
Molecular consequence: synonymous variant. On other transcripts: intron variant (137).
Genome position (GRCh38, 1-based): chr17:43,093,782, T>C on the plus strand (A>G on the coding strand, the complement: BRCA1 is on the minus strand). VCF-style: chr17-43093782-T-C. GRCh37 (hg19) VCF-style: chr17-41245799-T-C.
Other names: c.1536A>G, p.Lys512= (NM_001407571.1, NM_001407853.1, NM_001407894.1 and 9 more transcripts); c.1749A>G, p.Lys583= (NM_001407581.1, NM_001407582.1, NM_001407583.1 and 30 more transcripts); c.1746A>G, p.Lys582= (NM_001407587.1, NM_001407590.1, NM_001407591.1 and 22 more transcripts); c.1740A>G, p.Lys580= (NM_001407646.1, NM_001407647.1); c.1626A>G, p.Lys542= (NM_001407648.1, NM_001407664.1, NM_001407665.1 and 19 more transcripts); c.1623A>G, p.Lys541= (NM_001407649.1, NM_001407670.1, NM_001407671.1 and 11 more transcripts); c.1671A>G, p.Lys557= (NM_001407653.1, NM_001407654.1, NM_001407655.1 and 4 more transcripts); c.1668A>G, p.Lys556= (NM_001407659.1, NM_001407660.1, NM_001407661.1 and 1 more transcripts); and 40 more.
Identifiers: ClinVar variation 232140 (VCV000232140.27), dbSNP rs876659580, ClinGen allele CA10580653.

ClinVar aggregate classification (germline): Likely benign. Review status: reviewed by expert panel (3 of 4 stars). 7 submissions from 7 submitters: Likely benign (1). 6 of the submissions do not count toward it. Last evaluated 2017-06-29.

Conditions:
Hereditary cancer-predisposing syndrome. Also called: Tumor predisposition; Hereditary Cancer Syndrome; Neoplastic Syndromes, Hereditary; Hereditary neoplastic syndrome. Identifiers: Orphanet 140162, MedGen C0027672, MeSH D009386, MONDO:0015356.
Breast-ovarian cancer, familial, susceptibility to, 1 (BROVCA1). Also called: BRCA1 Hereditary Breast and Ovarian Cancer; OVARIAN CANCER, SUSCEPTIBILITY TO. Identifiers: Orphanet 145, MedGen C2676676, MONDO:0011450, OMIM 604370. Disease mechanism: loss of function.
Hereditary breast ovarian cancer syndrome. Also called: Breast and ovarian cancer; Hereditary breast and ovarian cancer; Hereditary breast and ovarian cancer syndrome; Hereditary breast and/or ovarian cancer syndrome; BRCA1- and BRCA2-Associated Hereditary Breast and Ovarian Cancer; Hereditary breast and ovarian cancer syndrome (HBOC). Identifiers: Orphanet 145, MedGen C0677776, MeSH D061325, MONDO:0003582. Disease mechanism: loss of function.

Allele frequency attached by ClinVar (database versions not stated): gnomAD exomes below 0.00001 and 0.00001; TOPMed below 0.00001.
gnomAD v4.1: 3 of 1,613,766 alleles (0.00019%); highest among the groups gnomAD compares: Admixed American, 0.0033%; no homozygotes.

Submissions (7):

Evidence-based Network for the Interpretation of Germline Mutant Alleles (ENIGMA)
Classification: Likely benign for Breast-ovarian cancer, familial, susceptibility to, 1. Last evaluated: 2017-06-29. Review status: reviewed by expert panel. Criteria: ENIGMA BRCA1/2 Classification Criteria (2017-06-29). Collection method: curation. Allele origin: germline.
Comment: Synonymous substitution variant, with low bioinformatic likelihood to result in a splicing aberration (Splicing prior probability 0.02).

Labcorp Genetics (formerly Invitae), Labcorp
Classification: Likely benign for Hereditary breast ovarian cancer syndrome. Last evaluated: 2026-01-04. Review status: criteria provided, single submitter. Criteria: Invitae Variant Classification Sherloc (09022015). Collection method: clinical testing. Allele origin: germline. Not counted in ClinVar's aggregate classification.

Women's Health and Genetics/Laboratory Corporation of America, LabCorp
Classification: Likely benign. Last evaluated: 2025-12-30. Review status: criteria provided, single submitter. Criteria: LabCorp Variant Classification Summary - May 2015. Collection method: clinical testing. Allele origin: germline. Not counted in ClinVar's aggregate classification.

Quest Diagnostics Nichols Institute San Juan Capistrano
Classification: Likely benign. Last evaluated: 2025-07-02. Review status: criteria provided, single submitter. Criteria: Quest Diagnostics criteria. Collection method: clinical testing. Allele origin: unknown. Not counted in ClinVar's aggregate classification.

All of Us Research Program, National Institutes of Health
Classification: Likely benign for Breast-ovarian cancer, familial, susceptibility to, 1. Last evaluated: 2023-12-01. Review status: criteria provided, single submitter. Criteria: ACMG Guidelines, 2015. Collection method: clinical testing. Allele origin: germline. Inheritance: Autosomal dominant inheritance. Observed: 2 variant alleles, 2 heterozygotes. Not counted in ClinVar's aggregate classification.
Comment: This study involves interpretation of variants in research participants for the purpose of population health screening. Participant phenotype was not available at the time of variant classification. Additional details can be found in publication PMID: 35346344, PMCID: PMC8962531

Color Diagnostics, LLC DBA Color Health
Classification: Likely benign for Hereditary cancer-predisposing syndrome. Last evaluated: 2019-03-29. Review status: criteria provided, single submitter. Criteria: ACMG Guidelines, 2015. Collection method: clinical testing. Allele origin: germline. Not counted in ClinVar's aggregate classification.

Ambry Genetics
Classification: Likely benign for Hereditary cancer-predisposing syndrome. Last evaluated: 2015-05-31. Review status: criteria provided, single submitter. Criteria: Ambry Variant Classification Scheme 2023. Collection method: clinical testing. Allele origin: germline. Not counted in ClinVar's aggregate classification.

Literature cited by the submitters: PubMed 17233897 (cited by Quest Diagnostics Nichols Institute San Juan Capistrano).